The following is an entry in ClinVar:

ClinVar aggregate classification (germline): Uncertain significance (1 of 4 stars; one submission).

Conditions:
Charcot-Marie-Tooth disease recessive intermediate C. Also called: CHARCOT-MARIE-TOOTH NEUROPATHY, RECESSIVE INTERMEDIATE C. Identifiers: Orphanet 369867, MedGen C3809309, MONDO:0014154, OMIM 615376.
Neuronopathy, distal hereditary motor, autosomal recessive 4. Also called: NEUROPATHY, DISTAL HEREDITARY MOTOR, AUTOSOMAL RECESSIVE 4; Autosomal recessive lower motor neuron disease with childhood onset. Identifiers: Orphanet 206580, MedGen C1970211, MONDO:0012608, OMIM 611067.

Allele frequency attached by ClinVar (database versions not stated): gnomAD exomes below 0.00001.
gnomAD v4.1: 1 of 1,613,014 alleles (0.000062%); highest among the groups gnomAD compares: Non-Finnish European, 0.000085%; no homozygotes.

Submission:

Labcorp Genetics (formerly Invitae), Labcorp
Classification: Uncertain significance for Neuronopathy, distal hereditary motor, autosomal recessive 4; Charcot-Marie-Tooth disease recessive intermediate C. Last evaluated: 2019-02-11. Review status: criteria provided, single submitter. Criteria: Invitae Variant Classification Sherloc (09022015). Collection method: clinical testing. Allele origin: germline.
Comment: This variant has not been reported in the literature in individuals with PLEKHG5-related disease. This variant is not present in population databases (ExAC no frequency). This sequence change replaces alanine with valine at codon 760 of the PLEKHG5 protein (p.Ala760Val). The alanine residue is moderately conserved and there is a small physicochemical difference between alanine and valine. In summary, the available evidence is currently insufficient to determine the role of this variant in disease. Therefore, it has been classified as a Variant of Uncertain Significance. Algorithms developed to predict the effect of missense changes on protein structure and function are either unavailable or do not agree on the potential impact of this missense change (SIFT: "Tolerated"; PolyPhen-2: "Possibly Damaging"; Align-GVGD: "Class C0").

NM_020631.6(PLEKHG5):c.2279C>T (p.Ala760Val)

Gene: PLEKHG5 (pleckstrin homology and RhoGEF domain containing G5; minus strand). Cytogenetic location: 1p36.31.
Variant type: single nucleotide variant.
Coding change: c.2279C>T on transcript NM_020631.6 (MANE Select); coding-DNA position 2279, C replaced by T.
Protein change: p.Ala760Val; replaces alanine 760 with valine.
Molecular consequence: missense variant.
Genome position (GRCh38, 1-based): chr1:6,468,557, G>A on the plus strand (C>T on the coding strand, the complement: PLEKHG5 is on the minus strand). VCF-style: chr1-6468557-G-A. GRCh37 (hg19) VCF-style: chr1-6528617-G-A.
Other names: c.2390C>T, p.Ala797Val (NM_001042663.3, NM_001265592.2); c.2279C>T, p.Ala760Val (NM_001042664.2, NM_001042665.2, NM_001265594.3 and 1 more transcripts); c.2486C>T, p.Ala829Val (NM_001265593.2); short protein forms A760V, A829V, A797V.
Identifiers: ClinVar variation 643580 (VCV000643580.11), dbSNP rs1569836518, ClinGen allele CA338117835.